The following is an entry in ClinVar:

NM_001111125.3(IQSEC2):c.448C>G (p.Arg150Gly)

Gene: IQSEC2 (IQ motif and Sec7 domain ArfGEF 2; minus strand). Cytogenetic location: Xp11.22.
Variant type: single nucleotide variant.
Coding change: c.448C>G on transcript NM_001111125.3 (MANE Select); coding-DNA position 448, C replaced by G.
Protein change: p.Arg150Gly; replaces arginine 150 with glycine.
Molecular consequence: missense variant.
Genome position (GRCh38, 1-based): chrX:53,320,676, G>C on the plus strand (C>G on the coding strand, the complement: IQSEC2 is on the minus strand). VCF-style: chrX-53320676-G-C. GRCh37 (hg19) VCF-style: chrX-53349874-G-C.
Other names: c.448C>G, p.Arg150Gly (NM_001441092.1, NM_001410736.1); short protein forms R150G.
Identifiers: ClinVar variation 5021050 (VCV005021050.1).

ClinVar aggregate classification (germline): Uncertain significance (1 of 4 stars; one submission).

Submission:

Dasa
Classification: Uncertain significance. Last evaluated: 2024-11-08. Review status: criteria provided, single submitter. Criteria: DASA Assertion Criteria. Collection method: clinical testing. Allele origin: germline.
Comment: NM_001111125.3(IQSEC2):c.448C>G (p.Arg150Gly) is a missense variant that results in the substitution of arginine with glycine. This variant is absent from population databases. Computational prediction algorithms are consistent with a benign effect. The currently available literature and clinical evidence are not sufficient to establish a definitive association between this variant and the reported condition. Therefore, this variant is classified as a variant of uncertain significance.